The following is an entry in ClinVar:

NM_000138.5(FBN1):c.4999G>A (p.Val1667Ile)

Gene: FBN1 (fibrillin 1; minus strand). Cytogenetic location: 15q21.1.
Variant type: single nucleotide variant.
Coding change: c.4999G>A on transcript NM_000138.5 (MANE Select); coding-DNA position 4999, G replaced by A.
Protein change: p.Val1667Ile; replaces valine 1667 with isoleucine.
Molecular consequence: missense variant.
Genome position (GRCh38, 1-based): chr15:48,463,965, C>T on the plus strand (G>A on the coding strand, the complement: FBN1 is on the minus strand). VCF-style: chr15-48463965-C-T. GRCh37 (hg19) VCF-style: chr15-48756162-C-T.
Other names: short protein forms V1667I.
Identifiers: ClinVar variation 406339 (VCV000406339.22), dbSNP rs140626, ClinGen allele CA054126.

ClinVar aggregate classification (germline): Conflicting classifications of pathogenicity. Review status: criteria provided, conflicting classifications (1 of 4 stars). 7 submissions from 7 submitters: Uncertain significance (5); Likely benign (2). Last evaluated 2026-03-27.

Conditions:
Familial thoracic aortic aneurysm and aortic dissection (TAAD). Also called: Thoracic aortic aneurysms and dissections. Identifiers: Orphanet 91387, MedGen C4707243, MONDO:0019625.
Geleophysic dysplasia 2 (GPHYSD2). Identifiers: Orphanet 2623, MedGen C3280054, MONDO:0013612, OMIM 614185.
Ectopia lentis 1, isolated, autosomal dominant (ECTOL1). Identifiers: Orphanet 1885, MedGen C3541518, MONDO:0007514, OMIM 129600.
Weill-Marchesani syndrome 2, dominant. Also called: FBN1-Related Weill-Marchesani Syndrome; Weill-Marchesani Syndrome, Autosomal Dominant. Identifiers: Orphanet 2084, MedGen C1869115, MONDO:0012013, OMIM 608328.
Marfan syndrome (MFS). Also called: Marfan syndrome, classic; Marfan syndrome type 1; Marfan's syndrome; MARFAN SYNDROME, TYPE I; FBN1-Related Marfan Syndrome. Identifiers: Orphanet 284963, Orphanet 558, MedGen C0024796, MONDO:0007947, OMIM 154700.
MASS syndrome (OCTD). Also called: OVERLAP CONNECTIVE TISSUE DISEASE; MASS PHENOTYPE. Identifiers: MedGen C1858556, MONDO:0011431, OMIM 604308.
Stiff skin syndrome (SSKS). Identifiers: Orphanet 2833, MedGen C1861456, MONDO:0008492, OMIM 184900.
Progeroid and marfanoid aspect-lipodystrophy syndrome. Also called: MARFANOID-PROGEROID SYNDROME; MARFAN-PROGEROID-LIPODYSTROPHY SYNDROME; Marfan lipodystrophy syndrome; MARFANOID-PROGEROID-LIPODYSTROPHY SYNDROME. Identifiers: Orphanet 300382, MedGen C4310796, MONDO:0014831, OMIM 616914.
Acromicric dysplasia (ACMICD). Also called: Acromicric skeletal dysplasia. Identifiers: Orphanet 969, MedGen C0265287, MONDO:0007055, OMIM 102370.

Allele frequency attached by ClinVar (database versions not stated): gnomAD 0.00003 and 0.00002; ExAC 0.00004; TOPMed 0.00003.
gnomAD v4.1: 46 of 1,613,448 alleles (0.0029%); highest among the groups gnomAD compares: South Asian, 0.0066%; no homozygotes.

Submissions (7):

Molecular Diagnostic Laboratory for Inherited Cardiovascular Disease, Montreal Heart Institute
Classification: Likely benign. Last evaluated: 2026-03-27. Review status: criteria provided, single submitter. Criteria: ACMG Guidelines, 2015. Collection method: clinical testing. Allele origin: germline. Affected: no.
Comment: BS1;BP4

Labcorp Genetics (formerly Invitae), Labcorp
Classification: Likely benign for Marfan syndrome; Familial thoracic aortic aneurysm and aortic dissection. Last evaluated: 2025-01-28. Review status: criteria provided, single submitter. Criteria: Invitae Variant Classification Sherloc (09022015). Collection method: clinical testing. Allele origin: germline.

All of Us Research Program, National Institutes of Health
Classification: Uncertain significance for Marfan syndrome. Last evaluated: 2023-11-02. Review status: criteria provided, single submitter. Criteria: ACMG Guidelines, 2015. Collection method: clinical testing. Allele origin: germline. Inheritance: Autosomal dominant inheritance. Observed: 4 variant alleles, 4 heterozygotes.
Comment: This missense variant replaces valine with isoleucine at codon 1667 of the FBN1 protein. Computational prediction suggests that this variant may not impact protein structure and function (internally defined REVEL score threshold <= 0.5, PMID: 27666373). To our knowledge, functional studies have not been reported for this variant. This variant has been reported in an individual affected with Marfan syndrome or a related connective tissue disorder (PMID: 10464652). This variant has been identified in 10/282608 chromosomes in the general population by the Genome Aggregation Database (gnomAD). The available evidence is insufficient to determine the role of this variant in disease conclusively. Therefore, this variant is classified as a Variant of Uncertain Significance.

This study involves interpretation of variants in research participants for the purpose of population health screening. Participant phenotype was not available at the time of variant classification. Additional details can be found in publication PMID: 35346344, PMCID: PMC8962531

Color Diagnostics, LLC DBA Color Health
Classification: Uncertain significance for Familial thoracic aortic aneurysm and aortic dissection. Last evaluated: 2023-09-07. Review status: criteria provided, single submitter. Criteria: ACMG Guidelines, 2015. Collection method: clinical testing. Allele origin: germline.
Comment: This missense variant replaces valine with isoleucine at codon 1667 of the FBN1 protein. Computational prediction suggests that this variant may not impact protein structure and function (internally defined REVEL score threshold <= 0.5, PMID: 27666373). To our knowledge, functional studies have not been reported for this variant. This variant has not been reported in individuals affected with FBN1-related disorders in the literature. This variant has been identified in 10/282608 chromosomes in the general population by the Genome Aggregation Database (gnomAD). The available evidence is insufficient to determine the role of this variant in disease conclusively. Therefore, this variant is classified as a Variant of Uncertain Significance.

GeneDx
Classification: Uncertain significance. Last evaluated: 2023-05-16. Review status: criteria provided, single submitter. Criteria: GeneDx Variant Classification Process June 2021. Collection method: clinical testing. Allele origin: germline. Affected: yes.
Comment: In silico analysis supports that this missense variant does not alter protein structure/function; Although located in a calcium-binding EGF-like domain of the FBN1 gene, it does not affect a cysteine residue within this domain; cysteine substitutions in the calcium-binding EGF-like domains represent the majority of pathogenic missense changes associated with FBN1-related disorders (Collod-Beroud et al., 2003); This variant is associated with the following publications: (PMID: 11875032, 10464652, 11461921)

Fulgent Genetics
Classification: Uncertain significance for Acromicric dysplasia; Ectopia lentis 1, isolated, autosomal dominant; Marfan syndrome; Stiff skin syndrome; MASS syndrome; Weill-Marchesani syndrome 2, dominant; Geleophysic dysplasia 2; Progeroid and marfanoid aspect-lipodystrophy syndrome. Last evaluated: 2022-03-24. Review status: criteria provided, single submitter. Criteria: ACMG Guidelines, 2015. Collection method: clinical testing. Allele origin: unknown.

ARUP Laboratories, Molecular Genetics and Genomics, ARUP Laboratories
Classification: Uncertain significance. Last evaluated: 2019-01-23. Review status: criteria provided, single submitter. Criteria: ARUP Molecular Germline Variant Investigation Process. Collection method: clinical testing. Allele origin: germline.
Comment: The FBN1 c.4999G>A; p.Val1667Ile variant (rs140626) has been described in at least one individual affected with Marfan syndrome or a related connective tissue disorder (Liu 1997). It contains an entry in ClinVar (Variation ID: 406339) and is observed in the general population at a low overall frequency of 0.0035% (10/282608 alleles) in the Genome Aggregation Database. The valine at codon 1667 is moderately conserved, and computational algorithms (PolyPhen-2, SIFT) predict that this variant is tolerated. However, due to limited information regarding this variant, its clinical significance cannot be determined with certainty. REFERENCES Liu W et al. Denaturing HPLC-identified novel FBN1 mutations, polymorphisms, and sequence variants in Marfan syndrome and related connective tissue disorders. Genet Test. 1997;1(4):237-42.

Literature cited by the submitters: PubMed 10464652 (cited by All of Us Research Program, National Institutes of Health).